The following is an entry in ClinVar:

NM_016417.3(GLRX5):c.178G>A (p.Gly60Arg)

Gene: GLRX5 (glutaredoxin 5; plus strand). Cytogenetic location: 14q32.13.
Variant type: single nucleotide variant.
Coding change: c.178G>A on transcript NM_016417.3 (MANE Select); coding-DNA position 178, G replaced by A.
Protein change: p.Gly60Arg; replaces glycine 60 with arginine.
Molecular consequence: missense variant.
Genome position (GRCh38, 1-based): chr14:95,535,267, G>A. VCF-style: chr14-95535267-G-A. GRCh37 (hg19) VCF-style: chr14-96001604-G-A.
Other names: short protein forms G60R.
Identifiers: ClinVar variation 2117576 (VCV002117576.3), dbSNP rs1891343117, ClinGen allele CA390896471.
Genomic context (GRCh38, chr14:95,535,267, plus strand): 5'-GGCTCGGCGGAGCAGTTGGACGCGCTGGTGAAGAAGGACAAGGTGGTGGTCTTCCTCAAG[G>A]GGACGCCGGAGCAGCCCCAGTGCGGCTTCAGCAACGCCGTGGTGCAGATCCTGCGGCTGC-3'
Protein context (NP_057501.2, residues 50-70): KKDKVVVFLK[Gly60Arg]TPEQPQCGFS

ClinVar aggregate classification (germline): Uncertain significance (1 of 4 stars; one submission).

Allele frequency attached by ClinVar (database versions not stated): TOPMed below 0.00001.

Submission:

Labcorp Genetics (formerly Invitae), Labcorp
Classification: Uncertain significance. Last evaluated: 2024-12-03. Review status: criteria provided, single submitter. Criteria: Invitae Variant Classification Sherloc (09022015). Collection method: clinical testing. Allele origin: germline.
Comment: This sequence change replaces glycine, which is neutral and non-polar, with arginine, which is basic and polar, at codon 60 of the GLRX5 protein (p.Gly60Arg). This variant is not present in population databases (gnomAD no frequency). This variant has not been reported in the literature in individuals affected with GLRX5-related conditions. ClinVar contains an entry for this variant (Variation ID: 2117576). An algorithm developed to predict the effect of missense changes on protein structure and function (PolyPhen-2) suggests that this variant is likely to be disruptive. In summary, the available evidence is currently insufficient to determine the role of this variant in disease. Therefore, it has been classified as a Variant of Uncertain Significance.